The following is an entry in ClinVar:

ClinVar aggregate classification (germline): Benign/Likely benign. Review status: criteria provided, multiple submitters, no conflicts (2 of 4 stars). 3 submissions from 3 submitters: Benign (1); Likely benign (2). Last evaluated 2026-04-20.

Conditions:
DICER1-related tumor predisposition. Also called: DICER1-related pleuropulmonary blastoma cancer predisposition syndrome; DICER1 syndrome. Identifiers: Orphanet 284343, MedGen C3839822, MONDO:0100216.
Hereditary cancer-predisposing syndrome. Also called: Neoplastic Syndromes, Hereditary; Hereditary Cancer Syndrome; Hereditary neoplastic syndrome; Tumor predisposition. Identifiers: Orphanet 140162, MedGen C0027672, MeSH D009386, MONDO:0015356.

Allele frequency attached by ClinVar (database versions not stated): gnomAD exomes below 0.00001.
gnomAD v4.1: 1 of 1,614,236 alleles (0.000062%); highest among the groups gnomAD compares: Non-Finnish European, 0.000085%; no homozygotes.

Submissions (3):

Myriad Genetics, Inc.
Classification: Benign for DICER1-related tumor predisposition. Last evaluated: 2026-04-20. Review status: criteria provided, single submitter. Criteria: Myriad Autosomal Dominant, Autosomal Recessive and X-Linked Classification Criteria (2023). Collection method: clinical testing. Allele origin: unknown.
Comment: This variant is considered benign. This variant is a silent/synonymous amino acid change and it is not expected to impact splicing.

Labcorp Genetics (formerly Invitae), Labcorp
Classification: Likely benign for DICER1-related tumor predisposition. Last evaluated: 2025-10-15. Review status: criteria provided, single submitter. Criteria: Invitae Variant Classification Sherloc (09022015). Collection method: clinical testing. Allele origin: germline.

Ambry Genetics
Classification: Likely benign for Hereditary cancer-predisposing syndrome. Last evaluated: 2019-11-19. Review status: criteria provided, single submitter. Criteria: Ambry Variant Classification Scheme 2023. Collection method: clinical testing. Allele origin: germline.

NM_177438.3(DICER1):c.4533T>C (p.Tyr1511=)

Gene: DICER1 (dicer 1, ribonuclease III; minus strand). Cytogenetic location: 14q32.13.
Variant type: single nucleotide variant.
Coding change: c.4533T>C on transcript NM_177438.3 (MANE Select); coding-DNA position 4533, T replaced by C.
Protein change: p.Tyr1511=; no amino-acid change (tyrosine 1511 retained).
Molecular consequence: synonymous variant.
Genome position (GRCh38, 1-based): chr14:95,096,387, A>G on the plus strand (T>C on the coding strand, the complement: DICER1 is on the minus strand). VCF-style: chr14-95096387-A-G. GRCh37 (hg19) VCF-style: chr14-95562724-A-G.
Other names: c.4533T>C, p.Tyr1511= (NM_001195573.1, NM_001271282.3, NM_001291628.2 and 1 more transcripts).
Identifiers: ClinVar variation 543695 (VCV000543695.17), dbSNP rs1131691206, ClinGen allele CA487844026.